The following is an entry in ClinVar:

NM_000052.7(ATP7A):c.3250dup (p.Ser1084fs)

Gene: ATP7A (ATPase copper transporting alpha; plus strand). Cytogenetic location: Xq21.1.
Variant type: Duplication.
Coding change: c.3250dup on transcript NM_000052.7 (MANE Select); coding-DNA position 3250, one base duplicated (A; older notation c.3250dupA).
Protein change: p.Ser1084fs; shifts the reading frame from serine 1084.
Molecular consequence: frameshift variant. On other transcripts: non-coding transcript variant (1).
Genome position (GRCh38, 1-based): chrX:78,031,538, A duplicated. VCF-style (leftmost placement, unchanged base first): chrX-78031537-C-CA. GRCh37 (hg19) VCF-style: chrX-77287035-C-CA.
Other names: c.3016dup, p.Ser1006fs (NM_001282224.2); c.3250dupA (NM_000052.6); short protein forms S1084fs, S1006fs.
Identifiers: ClinVar variation 651544 (VCV000651544.7), dbSNP rs1603389393, ClinGen allele CA915951255.

ClinVar aggregate classification (germline): Pathogenic (1 of 4 stars; one submission).

Conditions:
Cutis laxa, X-linked (OHS). Also called: EDS IX; Occipital horn syndrome. Identifiers: Orphanet 198, MedGen C0268353, MONDO:0010572, OMIM 304150.
X-linked distal spinal muscular atrophy type 3. Also called: ATP7A-Related Distal Motor Neuropathy; NEURONOPATHY, DISTAL HEREDITARY MOTOR, X-LINKED; NEUROPATHY, DISTAL HEREDITARY MOTOR, X-LINKED; SPINAL MUSCULAR ATROPHY, DISTAL, X-LINKED RECESSIVE. Identifiers: Orphanet 139557, MedGen C1845359, MONDO:0010338, OMIM 300489.
Menkes kinky-hair syndrome (MNK). Also called: Classic Menkes Disease; Menkes Disease; Copper transport disease. Identifiers: Orphanet 565, MedGen C0022716, MONDO:0010651, OMIM 309400.

Submission:

Labcorp Genetics (formerly Invitae), Labcorp
Classification: Pathogenic for X-linked distal spinal muscular atrophy type 3; Cutis laxa, X-linked; Menkes kinky-hair syndrome. Last evaluated: 2018-07-30. Review status: criteria provided, single submitter. Criteria: Invitae Variant Classification Sherloc (09022015). Collection method: clinical testing. Allele origin: germline.
Comment: This sequence change creates a premature translational stop signal (p.Ser1084Lysfs*2) in the ATP7A gene. It is expected to result in an absent or disrupted protein product. For these reasons, this variant has been classified as Pathogenic. Loss-of-function variants in ATP7A are known to be pathogenic (PMID: 11241493, 20652413). This variant has not been reported in the literature in individuals with ATP7A-related disease. This variant is not present in population databases (ExAC no frequency).

Literature cited by the submitters: PubMed 11241493; PubMed 20652413.